The following is an entry in ClinVar:

ClinVar aggregate classification (germline): Uncertain significance (1 of 4 stars; one submission).

gnomAD v4.1: 4 of 1,613,898 alleles (0.00025%); highest among the groups gnomAD compares: Admixed American, 0.0017%; no homozygotes.

Submission:

Labcorp Genetics (formerly Invitae), Labcorp
Classification: Uncertain significance. Last evaluated: 2025-01-24. Review status: criteria provided, single submitter. Criteria: Invitae Variant Classification Sherloc (09022015). Collection method: clinical testing. Allele origin: germline.
Comment: This sequence change replaces arginine, which is basic and polar, with cysteine, which is neutral and slightly polar, at codon 140 of the FN1 protein (p.Arg140Cys). This variant is not present in population databases (gnomAD no frequency). This variant has not been reported in the literature in individuals affected with FN1-related conditions. An algorithm developed to predict the effect of missense changes on protein structure and function (PolyPhen-2) suggests that this variant is likely to be disruptive. In summary, the available evidence is currently insufficient to determine the role of this variant in disease. Therefore, it has been classified as a Variant of Uncertain Significance.

NM_212482.4(FN1):c.418C>T (p.Arg140Cys)

Gene: FN1 (fibronectin 1; minus strand). Cytogenetic location: 2q35.
Variant type: single nucleotide variant.
Coding change: c.418C>T on transcript NM_212482.4 (MANE Select); coding-DNA position 418, C replaced by T.
Protein change: p.Arg140Cys; replaces arginine 140 with cysteine.
Molecular consequence: missense variant.
Genome position (GRCh38, 1-based): chr2:215,431,962, G>A on the plus strand (C>T on the coding strand, the complement: FN1 is on the minus strand). VCF-style: chr2-215431962-G-A. GRCh37 (hg19) VCF-style: chr2-216296685-G-A.
Other names: c.418C>T, p.Arg140Cys (NM_001306129.2, NM_001306130.2, NM_001306131.2 and 14 more transcripts); short protein forms R140C.
Identifiers: ClinVar variation 3603772 (VCV003603772.2).
Genomic context (GRCh38, chr2:215,431,962, plus strand): 5'-TCTCATGTGGTCTCCTCCAGGTGTCACCAATCTTGTAGGACTGACCCCCTTCATGGCAGC[G>A]GTCTGTTGAAGATACAACGAAAATGTTAGGAGAGGGCAGAACAGATTTTTTTTTTTGGTC-3'
Protein context (NP_997647.2, residues 130-150): RGRISCTIAN[Arg140Cys]CHEGGQSYKI